The following is an entry in ClinVar:

NM_001365536.1(SCN9A):c.1109C>T (p.Thr370Met)

Genes: SCN1A-AS1 (SCN1A and SCN9A antisense RNA 1; plus strand), SCN9A (sodium voltage-gated channel alpha subunit 9; minus strand). Cytogenetic location: 2q24.3.
Variant type: single nucleotide variant.
Coding change: c.1109C>T on transcript NM_001365536.1 (MANE Select); coding-DNA position 1109, C replaced by T.
Protein change: p.Thr370Met; replaces threonine 370 with methionine.
Molecular consequence: missense variant.
Genome position (GRCh38, 1-based): chr2:166,288,642, G>A on the plus strand (C>T on the coding strand, the complement: SCN9A is on the minus strand). VCF-style: chr2-166288642-G-A. GRCh37 (hg19) VCF-style: chr2-167145152-G-A.
Other names: c.1109C>T, p.Thr370Met (NM_002977.4); short protein forms T370M.
Identifiers: ClinVar variation 193647 (VCV000193647.20), dbSNP rs200391162, ClinGen allele CA239219.

ClinVar aggregate classification (germline): Conflicting classifications of pathogenicity. Review status: criteria provided, conflicting classifications (1 of 4 stars). 6 submissions from 6 submitters: Uncertain significance (4); Likely benign (2). Last evaluated 2026-02-16.

Conditions:
SCN9A-related disorder. Also called: SCN9A-related condition; SCN9A-related disorders.
Inborn genetic diseases. Identifiers: MedGen C0950123, MeSH D030342.
Neuropathy, hereditary sensory and autonomic, type 2A (HSAN2A). Also called: HSAN IIA; MORVAN DISEASE; NEUROPATHY, CONGENITAL SENSORY; NEUROPATHY, HEREDITARY SENSORY RADICULAR, AUTOSOMAL RECESSIVE; NEUROPATHY, HEREDITARY SENSORY, TYPE IIA; WNK1-Related HSAN2 (HSAN2A). Identifiers: Orphanet 970, MedGen C2752089, MONDO:0024309, OMIM 201300.
Generalized epilepsy with febrile seizures plus, type 7 (GEFSP7). Also called: GEFS+, TYPE 7. Identifiers: Orphanet 36387, MedGen C2751778, MONDO:0013470, OMIM 613863.

Allele frequency attached by ClinVar (database versions not stated): gnomAD exomes 0.00015 and 0.00041; ExAC 0.00047; TOPMed 0.00079; 1000 Genomes Project 0.00080; ESP Exome Variant Server 0.00085; 1000 Genomes Project 30x 0.00062; gnomAD 0.00066 and 0.00068.

Submissions (6):

PreventionGenetics, part of Exact Sciences
Classification: Likely benign for SCN9A-related condition. Last evaluated: 2026-02-16. Review status: criteria provided, single submitter. Criteria: ACMG Guidelines, 2015. Collection method: clinical testing. Allele origin: germline.
Comment: This variant is classified as likely benign based on ACMG/AMP sequence variant interpretation guidelines (Richards et al. 2015 PMID: 25741868, with internal and published modifications).

Labcorp Genetics (formerly Invitae), Labcorp
Classification: Likely benign for Neuropathy, hereditary sensory and autonomic, type 2A; Generalized epilepsy with febrile seizures plus, type 7. Last evaluated: 2026-01-19. Review status: criteria provided, single submitter. Criteria: Invitae Variant Classification Sherloc (09022015). Collection method: clinical testing. Allele origin: germline.

GeneDx
Classification: Uncertain significance. Last evaluated: 2023-03-06. Review status: criteria provided, single submitter. Criteria: GeneDx Variant Classification Process June 2021. Collection method: clinical testing. Allele origin: germline. Affected: yes.
Comment: Reported previously as a likely pathogenic variant in trans (on different alleles) with a second likely pathogenic variant in a patient with hypertrichotic osteochondrodysplasia; however, this patient also harbored a pathogenic variant in a different gene that was thought to explain the phenotype (Salfati et al., 2019); In silico analysis supports that this missense variant has a deleterious effect on protein structure/function; This variant is associated with the following publications: (PMID: 31847883)

Ambry Genetics
Classification: Uncertain significance for Inborn genetic diseases. Last evaluated: 2020-08-10. Review status: criteria provided, single submitter. Criteria: Ambry Variant Classification Scheme 2023. Collection method: clinical testing. Allele origin: germline.
Comment: The p.T370M variant (also known as c.1109C>T), located in coding exon 9 of the SCN9A gene, results from a C to T substitution at nucleotide position 1109. The threonine at codon 370 is replaced by methionine, an amino acid with similar properties. This amino acid position is highly conserved in available vertebrate species. In addition, this alteration is predicted to be deleterious by in silico analysis. Based on the supporting evidence, this variant is unlikely to be causative of primary erythermalgia/small fiber neuropathy, and paroxysmal extreme pain disorder; however, its contribution to the development of congenital insensitivity to pain and hereditary sensory autonomic neuropathy type II is uncertain.

Athena Diagnostics
Classification: Uncertain significance. Last evaluated: 2018-02-26. Review status: criteria provided, single submitter. Criteria: Athena Diagnostics Criteria. Collection method: clinical testing. Allele origin: germline.

Eurofins Ntd Llc (ga)
Classification: Uncertain significance. Last evaluated: 2016-12-20. Review status: criteria provided, single submitter. Criteria: EGL Classification Definitions 2015. Collection method: clinical testing. Allele origin: germline. Observed: 3 variant alleles, 3 heterozygotes.